The following is an entry in ClinVar:

ClinVar aggregate classification (germline): Likely pathogenic (1 of 4 stars; one submission).

Conditions:
HSPG2-related disorder. Also called: HSPG2-related condition; HSPG2-related disorders.

Submission:

Daryl Scott Lab, Baylor College of Medicine
Classification: Likely pathogenic for HSPG2-related disorder. Last evaluated: 2024-01-01. Review status: criteria provided, single submitter. Criteria: ACMG Guidelines, 2015. Collection method: clinical testing. Allele origin: maternal. Observed: 1 heterozygote.
Comment: PVS1, PM2

NM_005529.7(HSPG2):c.10821dup (p.Trp3608fs)

Gene: HSPG2 (heparan sulfate proteoglycan 2; minus strand). Cytogenetic location: 1p36.12.
Variant type: Duplication.
Coding change: c.10821dup on transcript NM_005529.7 (MANE Select); coding-DNA position 10821, one base duplicated (C; older notation c.10821dupC).
Protein change: p.Trp3608fs; shifts the reading frame from tryptophan 3608.
Molecular consequence: frameshift variant.
Genome position (GRCh38, 1-based): chr1:21,833,825, G duplicated on the plus strand (C on the coding strand, the reverse complement: HSPG2 is on the minus strand). VCF-style (leftmost placement, unchanged base first): chr1-21833824-A-AG. GRCh37 (hg19) VCF-style: chr1-22160317-A-AG.
Other names: c.10824dup, p.Trp3609fs (NM_001291860.2); c.10821dupC (NM_005529.7); short protein forms W3608fs, W3609fs.
Identifiers: ClinVar variation 3764596 (VCV003764596.1).